The following is an entry in ClinVar:

ClinVar aggregate classification (germline): Uncertain significance. Review status: criteria provided, multiple submitters, no conflicts (2 of 4 stars). 2 submissions from 2 submitters: Uncertain significance (2). Last evaluated 2021-01-17.

Conditions:
Arrhythmogenic cardiomyopathy with wooly hair and keratoderma. Also called: PALMOPLANTAR KERATODERMA WITH LEFT VENTRICULAR CARDIOMYOPATHY AND WOOLLY HAIR; Carvajal syndrome; Dilated cardiomyopathy with woolly hair and keratoderma; Arrhythmogenic cardiomyopathy with woolly hair and keratoderma. Identifiers: Orphanet 65282, MedGen C1854063, MONDO:0011581, OMIM 605676.
Arrhythmogenic right ventricular dysplasia 8 (ARVD8). Also called: Arrhythmogenic Right Ventricular Dysplasia/Cardiomyopathy 8; ARRHYTHMOGENIC RIGHT VENTRICULAR DYSPLASIA, FAMILIAL, 8; ARRHYTHMOGENIC RIGHT VENTRICULAR CARDIOMYOPATHY 8. Identifiers: MedGen C1843896, MONDO:0011831, OMIM 607450.
Cardiomyopathy (CMYO). Also called: Cardiomyopathies. Identifiers: Orphanet 167848, MedGen C0878544, MONDO:0004994, HP:0001638. Inheritance: Various modes of inheritance.

Submissions (2):

Labcorp Genetics (formerly Invitae), Labcorp
Classification: Uncertain significance for Arrhythmogenic cardiomyopathy with wooly hair and keratoderma; Arrhythmogenic right ventricular dysplasia 8. Last evaluated: 2021-01-17. Review status: criteria provided, single submitter. Criteria: Invitae Variant Classification Sherloc (09022015). Collection method: clinical testing. Allele origin: germline.
Comment: This variant is not present in population databases (ExAC no frequency). This variant has not been reported in the literature in individuals with DSP-related conditions. ClinVar contains an entry for this variant (Variation ID: 921181). Experimental studies and prediction algorithms are not available or were not evaluated, and the functional significance of this variant is currently unknown. In summary, the available evidence is currently insufficient to determine the role of this variant in disease. Therefore, it has been classified as a Variant of Uncertain Significance. This variant, c.8472_8495del, results in the deletion of 8 amino acid(s) of the DSP protein (p.Ser2839_Arg2846del), but otherwise preserves the integrity of the reading frame.

Color Diagnostics, LLC DBA Color Health
Classification: Uncertain significance for Cardiomyopathy. Last evaluated: 2019-04-28. Review status: criteria provided, single submitter. Criteria: ACMG Guidelines, 2015. Collection method: clinical testing. Allele origin: germline.
Comment: This variant causes an in-frame deletion of 8 amino acids from a repeat region of the DSP protein. To our knowledge, functional assays have not been performed for this variant nor has this variant been reported in individuals affected with cardiovascular disorders in the literature. Computational splicing tools suggest that this variant may not impact RNA splicing. This variant has been identified in 1/248538 chromosomes in the general population by the Genome Aggregation Database (gnomAD). Available evidence is insufficient to determine the role of this variant in disease conclusively. Therefore, this variant is classified as a Variant of Uncertain Significance.

NM_004415.4(DSP):c.8472_8495del (p.2827SGSR[3])

Gene: DSP (desmoplakin; plus strand). Cytogenetic location: 6p24.3.
Variant type: Deletion.
Coding change: c.8472_8495del on transcript NM_004415.4 (MANE Select); coding-DNA positions 8472 to 8495, 24 bases deleted (GTCCCGCTCCGGCTCCCGCTCGGG).
Protein change: p.2827SGSR[3].
Molecular consequence: inframe deletion.
Genome position (GRCh38, 1-based): chr6:7,585,734-7,585,757, GTCCCGCTCCGGCTCCCGCTCGGG deleted; deleting any 24 consecutive bases within chr6:7,585,730-7,585,757 gives the same sequence; the c. name uses the placement nearest the transcript's 3' end. VCF-style (leftmost placement, unchanged base first): chr6-7585729-CCGGGGTCCCGCTCCGGCTCCCGCT-C. GRCh37 (hg19) VCF-style: chr6-7585962-CCGGGGTCCCGCTCCGGCTCCCGCT-C.
Other names: c.6675_6698del, p.2228SGSR[3] (NM_001008844.3); c.7143_7166del, p.2384SGSR[3] (NM_001319034.2).
Identifiers: ClinVar variation 921181 (VCV000921181.10), dbSNP rs1267022420, ClinGen allele CA565358228.